The following is an entry in ClinVar:

NM_001244008.2(KIF1A):c.785G>T (p.Gly262Val)

Gene: KIF1A (kinesin family member 1A; minus strand). Cytogenetic location: 2q37.3.
Variant type: single nucleotide variant.
Coding change: c.785G>T on transcript NM_001244008.2 (MANE Select); coding-DNA position 785, G replaced by T.
Protein change: p.Gly262Val; replaces glycine 262 with valine.
Molecular consequence: missense variant.
Genome position (GRCh38, 1-based): chr2:240,783,752, C>A on the plus strand (G>T on the coding strand, the complement: KIF1A is on the minus strand). VCF-style: chr2-240783752-C-A. GRCh37 (hg19) VCF-style: chr2-241723169-C-A.
Other names: c.785G>T, p.Gly262Val (NM_001320705.2, NM_001330289.2, NM_001330290.2 and 21 more transcripts); short protein forms G262V.
Identifiers: ClinVar variation 1718275 (VCV001718275.6), dbSNP rs2538276835, ClinGen allele CA351302919.

ClinVar aggregate classification (germline): Uncertain significance (1 of 4 stars; one submission).

Conditions:
Hereditary spastic paraplegia 30. Identifiers: Orphanet 101010, MedGen C5235139, MONDO:0012476.
Neuropathy, hereditary sensory, type 2C. Also called: Hereditary sensory and autonomic neuropathy type IIC; KIF1A-Related HSAN2 (HSAN2C). Identifiers: Orphanet 970, MedGen C3280168, MONDO:0013634, OMIM 614213.
Intellectual disability, autosomal dominant 9 (NESCAVS). Also called: NESCAV SYNDROME; KIF1A-Related Neurodevelopmental Disorder. Identifiers: Orphanet 662367, MedGen C5393830, MONDO:0013656, OMIM 614255.

Submission:

Labcorp Genetics (formerly Invitae), Labcorp
Classification: Uncertain significance for Hereditary spastic paraplegia 30; Neuropathy, hereditary sensory, type 2C; Intellectual disability, autosomal dominant 9. Last evaluated: 2022-11-29. Review status: criteria provided, single submitter. Criteria: Invitae Variant Classification Sherloc (09022015). Collection method: clinical testing. Allele origin: germline.
Comment: This sequence change replaces glycine, which is neutral and non-polar, with valine, which is neutral and non-polar, at codon 262 of the KIF1A protein (p.Gly262Val). This variant is not present in population databases (gnomAD no frequency). This variant has not been reported in the literature in individuals affected with KIF1A-related conditions. Advanced modeling of protein sequence and biophysical properties (such as structural, functional, and spatial information, amino acid conservation, physicochemical variation, residue mobility, and thermodynamic stability) performed at Invitae indicates that this missense variant is expected to disrupt KIF1A protein function. In summary, the available evidence is currently insufficient to determine the role of this variant in disease. Therefore, it has been classified as a Variant of Uncertain Significance.